The following is an entry in ClinVar:

ClinVar aggregate classification (germline): Uncertain significance. Review status: criteria provided, multiple submitters, no conflicts (2 of 4 stars). 2 submissions from 2 submitters: Uncertain significance (2). Last evaluated 2024-03-21.

Conditions:
Myofibrillar myopathy 4. Also called: Zaspopathy (type). Identifiers: Orphanet 98912, MedGen C4721886, MONDO:0012277, OMIM 609452.

Submissions (2):

Labcorp Genetics (formerly Invitae), Labcorp
Classification: Uncertain significance for Myofibrillar myopathy 4. Last evaluated: 2024-03-21. Review status: criteria provided, single submitter. Criteria: Invitae Variant Classification Sherloc (09022015). Collection method: clinical testing. Allele origin: germline.
Comment: This sequence change replaces methionine, which is neutral and non-polar, with isoleucine, which is neutral and non-polar, at codon 160 of the LDB3 protein (p.Met160Ile). This variant is not present in population databases (gnomAD no frequency). This variant has not been reported in the literature in individuals affected with LDB3-related conditions. ClinVar contains an entry for this variant (Variation ID: 532924). An algorithm developed to predict the effect of missense changes on protein structure and function (PolyPhen-2) suggests that this variant is likely to be tolerated. In summary, the available evidence is currently insufficient to determine the role of this variant in disease. Therefore, it has been classified as a Variant of Uncertain Significance.

3billion
Classification: Uncertain significance for Myofibrillar myopathy 4. Last evaluated: 2023-07-19. Review status: criteria provided, single submitter. Criteria: ACMG Guidelines, 2015. Collection method: clinical testing. Allele origin: germline. Affected: yes.
Comment: The variant is not observed in the gnomAD v2.1.1 dataset. Predicted Consequence/Location: Missense changes are a common disease-causing mechanism. Therefore, this variant is classified as VUS according to the recommendation of ACMG/AMP guideline.

NM_001368067.1(LDB3):c.480G>A (p.Met160Ile)

Genes: LDB3 (LIM domain binding 3; plus strand), LOC110121486 (VISTA enhancer hs2143; plus strand). Cytogenetic location: 10q23.2.
Variant type: single nucleotide variant.
Coding change: c.480G>A on transcript NM_001368067.1 (MANE Plus Clinical); coding-DNA position 480, G replaced by A.
Protein change: p.Met160Ile; replaces methionine 160 with isoleucine.
Molecular consequence: missense variant. On other transcripts: intron variant (5).
Genome position (GRCh38, 1-based): chr10:86,687,204, G>A. VCF-style: chr10-86687204-G-A. GRCh37 (hg19) VCF-style: chr10-88446961-G-A.
Other names: c.825G>A, p.Met275Ile (NM_001171611.2, NM_001171610.2); c.690-4692G>A (NM_001368064.1, NM_001368063.1, NM_007078.3 and 2 more transcripts); c.480G>A, p.Met160Ile (NM_001368066.1, NM_001368068.1, NM_001080114.2 and 1 more transcripts); short protein forms M160I, M275I.
Identifiers: ClinVar variation 532924 (VCV000532924.12), dbSNP rs1413446799, ClinGen allele CA377441780.
Genomic context (GRCh38, chr10:86,687,204, plus strand): 5'-GAAGGGGCTGGGCGGCAAGGCCACCATCATCCATGCGCAGTACAACACGCCCATCAGCAT[G>A]TATTCCCAGGATGCCATCATGGATGCCATCGCTGGGCAGGCCCAAGCCCAAGGCAGTGAC-3'
Protein context (NP_001354996.1, residues 150-170): IHAQYNTPIS[Met160Ile]YSQDAIMDAI